The following is an entry in ClinVar:

NM_004068.4(AP2M1):c.1224A>G (p.Glu408=)

Gene: AP2M1 (adaptor related protein complex 2 subunit mu 1; plus strand). Cytogenetic location: 3q27.1.
Variant type: single nucleotide variant.
Coding change: c.1224A>G on transcript NM_004068.4 (MANE Select); coding-DNA position 1224, A replaced by G.
Protein change: p.Glu408=; no amino-acid change (glutamic acid 408 retained).
Molecular consequence: synonymous variant.
Genome position (GRCh38, 1-based): chr3:184,183,532, A>G. VCF-style: chr3-184183532-A-G. GRCh37 (hg19) VCF-style: chr3-183901320-A-G.
Other names: c.1218A>G, p.Glu406= (NM_001025205.2); c.1299A>G, p.Glu433= (NM_001311198.2).
Identifiers: ClinVar variation 2873982 (VCV002873982.13), dbSNP rs1715343424, ClinGen allele CA437163168.
Genomic context (GRCh38, chr3:184,183,532, plus strand): 5'-CCTTGCCCAGGTGCCATTCGCGCCCTCTGGCCTCAAGGTGCGCTACTTGAAGGTGTTTGA[A>G]CCGAAGCTGAACTACAGCGACCATGATGTCATCAAATGGGTGCGCTACATTGGCCGCAGT-3'
Protein context (NP_004059.2, residues 398-418): GLKVRYLKVF[Glu408=]PKLNYSDHDV

ClinVar aggregate classification (germline): Likely benign. Review status: criteria provided, multiple submitters, no conflicts (2 of 4 stars). 2 submissions from 2 submitters: Likely benign (2). Last evaluated 2025-06-01.

Allele frequency attached by ClinVar (database versions not stated): gnomAD exomes below 0.00001; TOPMed below 0.00001; gnomAD 0.00001.
gnomAD v4.1: 3 of 1,614,096 alleles (0.00019%); highest among the groups gnomAD compares: Admixed American, 0.005%; no homozygotes.

Submissions (2):

CeGaT Center for Human Genetics Tuebingen
Classification: Likely benign. Last evaluated: 2025-06-01. Review status: criteria provided, single submitter. Criteria: CeGaT Center For Human Genetics Tuebingen Variant Classification Criteria Version 2. Collection method: clinical testing. Allele origin: germline. Affected: yes. Observed: 1 variant allele.
Comment: AP2M1: BP4, BP7

Labcorp Genetics (formerly Invitae), Labcorp
Classification: Likely benign. Last evaluated: 2023-07-14. Review status: criteria provided, single submitter. Criteria: Invitae Variant Classification Sherloc (09022015). Collection method: clinical testing. Allele origin: germline.